The following is an entry in ClinVar:

NM_006031.6(PCNT):c.3403C>T (p.Arg1135Trp)

Gene: PCNT (pericentrin; plus strand). Cytogenetic location: 21q22.3.
Variant type: single nucleotide variant.
Coding change: c.3403C>T on transcript NM_006031.6 (MANE Select); coding-DNA position 3403, C replaced by T.
Protein change: p.Arg1135Trp; replaces arginine 1135 with tryptophan.
Molecular consequence: missense variant.
Genome position (GRCh38, 1-based): chr21:46,385,922, C>T. VCF-style: chr21-46385922-C-T. GRCh37 (hg19) VCF-style: chr21-47805837-C-T.
Other names: c.3049C>T, p.Arg1017Trp (NM_001315529.2); short protein forms R1017W, R1135W.
Identifiers: ClinVar variation 3415872 (VCV003415872.2).
Genomic context (GRCh38, chr21:46,385,922, plus strand): 5'-GAGATAGAAGAGTGCCGCTCCGAGTTGGAGGTGCTGCAGCAGAGGCGGGAGCGGGAGAAC[C>T]GGGAAGGCGCAAACCTCCTCTCCATGCTCAAGGCCGACGTCAACCTGTCCCACAGCGAAA-3'
Protein context (NP_006022.3, residues 1125-1145): VLQQRREREN[Arg1135Trp]EGANLLSMLK

ClinVar aggregate classification (germline): Uncertain significance. Review status: criteria provided, multiple submitters, no conflicts (2 of 4 stars). 2 submissions from 2 submitters: Uncertain significance (2). Last evaluated 2026-01-25.

Conditions:
Inborn genetic diseases. Identifiers: MedGen C0950123, MeSH D030342.
PCNT-related disorder. Also called: PCNT-related condition.

gnomAD v4.1: 11 of 1,614,200 alleles (0.00068%); highest among the groups gnomAD compares: South Asian, 0.0033%; no homozygotes.

Submissions (2):

PreventionGenetics, part of Exact Sciences
Classification: Uncertain significance for PCNT-related condition. Last evaluated: 2026-01-25. Review status: criteria provided, single submitter. Criteria: ACMG Guidelines, 2015. Collection method: clinical testing. Allele origin: germline.
Comment: The PCNT c.3403C>T variant is predicted to result in the amino acid substitution p.Arg1135Trp. To our knowledge, this variant has not been reported in the literature. This variant is reported in 0.0065% of alleles in individuals of South Asian descent in gnomAD. At this time, the clinical significance of this variant is uncertain due to the absence of conclusive functional and genetic evidence.

Ambry Genetics
Classification: Uncertain significance for Inborn genetic diseases. Last evaluated: 2024-07-14. Review status: criteria provided, single submitter. Criteria: Ambry Variant Classification Scheme 2023. Collection method: clinical testing. Allele origin: germline.